The following is an entry in ClinVar:

NM_005251.3(FOXC2):c.305T>A (p.Ile102Asn)

Genes: FOXC2 (forkhead box C2; plus strand), FOXC2-AS1 (FOXC2 antisense RNA 1; minus strand). Cytogenetic location: 16q24.1.
Variant type: single nucleotide variant.
Coding change: c.305T>A on transcript NM_005251.3 (MANE Select); coding-DNA position 305, T replaced by A.
Protein change: p.Ile102Asn; replaces isoleucine 102 with asparagine.
Molecular consequence: missense variant. On other transcripts: non-coding transcript variant (1).
Genome position (GRCh38, 1-based): chr16:86,567,640, T>A. VCF-style: chr16-86567640-T-A. GRCh37 (hg19) VCF-style: chr16-86601246-T-A.
Other names: short protein forms I102N.
Identifiers: ClinVar variation 4888329 (VCV004888329.1).

ClinVar aggregate classification (germline): Likely pathogenic (1 of 4 stars; one submission).

Conditions:
Distichiasis-lymphedema syndrome. Also called: LYMPHEDEMA WITH DISTICHIASIS. Identifiers: Orphanet 33001, MedGen C0265345, MONDO:0007922, OMIM 153400.

Submission:

New York Genome Center
Classification: Likely pathogenic for Distichiasis-lymphedema syndrome. Last evaluated: 2024-01-23. Review status: criteria provided, single submitter. Criteria: NYGC Assertion Criteria 2020. Collection method: clinical testing. Allele origin: inherited. Affected: yes. Observed: 1 variant allele, 1 heterozygote. Segregation with disease observed.
Comment: The c.305T>A variant in FOXC2 has not previously been reported in the literature or public variant repositories (ClinVar and LOVD) and is absent from populationdatabases (gnomAD v2.1.1, v3.1.2, and v4.0; TOPMed Freeze 8 and Freeze 10; All of Us), suggesting it is not a common benign variant in the populations representedin those databases. The c.305T>A variant in FOXC2 is located in exon 1 of this 1-exon gene and predicted to replace an evolutionarily conserved Isoleucine aminoacid with asparagine at position 102 within the fork head domain [PMID: 32698337] of the encoded protein. In silico predictions are in favor of damaging effect for thep.(Ile102Asn) variant [(CADD v1.6 = 31, REVEL = 0.931)]; however, there are no functional studies to support or refute these predictions. Based on available evidence this inherited c.305T>A p. (Ile102Asn) variant identified in FOXC2 is classified as Likely Pathogenic.